The following is an entry in ClinVar:

ClinVar aggregate classification (germline): Uncertain significance (1 of 4 stars; one submission).

Submission:

Labcorp Genetics (formerly Invitae), Labcorp
Classification: Uncertain significance. Last evaluated: 2022-07-12. Review status: criteria provided, single submitter. Criteria: Invitae Variant Classification Sherloc (09022015). Collection method: clinical testing. Allele origin: germline.
Comment: In summary, the available evidence is currently insufficient to determine the role of this variant in disease. Therefore, it has been classified as a Variant of Uncertain Significance. Algorithms developed to predict the effect of missense changes on protein structure and function (SIFT, PolyPhen-2, Align-GVGD) all suggest that this variant is likely to be tolerated. ClinVar contains an entry for this variant (Variation ID: 1009334). This variant has not been reported in the literature in individuals affected with INPPL1-related conditions. This variant is not present in population databases (gnomAD no frequency). This sequence change replaces glutamic acid, which is acidic and polar, with lysine, which is basic and polar, at codon 1000 of the INPPL1 protein (p.Glu1000Lys).

NM_001567.4(INPPL1):c.2998G>A (p.Glu1000Lys)

Gene: INPPL1 (inositol polyphosphate phosphatase like 1; plus strand). Cytogenetic location: 11q13.4.
Variant type: single nucleotide variant.
Coding change: c.2998G>A on transcript NM_001567.4 (MANE Select); coding-DNA position 2998, G replaced by A.
Protein change: p.Glu1000Lys; replaces glutamic acid 1000 with lysine.
Molecular consequence: missense variant.
Genome position (GRCh38, 1-based): chr11:72,237,242, G>A. VCF-style: chr11-72237242-G-A. GRCh37 (hg19) VCF-style: chr11-71948286-G-A.
Other names: short protein forms E1000K.
Identifiers: ClinVar variation 1009334 (VCV001009334.8), dbSNP rs1949013518, ClinGen allele CA381737412.